The following is an entry in ClinVar:

ClinVar aggregate classification (germline): Uncertain significance (1 of 4 stars; one submission).

Conditions:
Dyskeratosis congenita. Identifiers: Orphanet 1775, MedGen C0265965, MONDO:0015780.

Submission:

Ambry Genetics
Classification: Uncertain significance for Dyskeratosis congenita. Last evaluated: 2026-08-31. Review status: criteria provided, single submitter. Criteria: Ambry Variant Classification Scheme 2023. Collection method: clinical testing. Allele origin: germline.
Comment: The c.221_222delTGinsAAGCTCCT variant (also known as p.V74delinsEAP), located in coding exon 2 of the TERT gene, results from an in-frame deletion of TG and insertion of AAGCTCCT at nucleotide positions 221 to 222. This results in the in-frame deletion of a valine residue and the insertion of 3 new residues (EAP) at codon 74. This amino acid position is not well conserved in available vertebrate species. In addition, this variant is predicted to be deleterious by in silico analysis (Choi Y et al. PLoS ONE. 2012; 7(10):e46688). Based on the available evidence, the clinical significance of this variant remains unclear.

NM_198253.3(TERT):c.221_222delinsAAGCTCCT (p.Val74delinsGluAlaPro)

Genes: TERT (telomerase reverse transcriptase; minus strand), LOC110806263 (TERT 5' regulatory region; plus strand). Cytogenetic location: 5p15.33.
Variant type: Indel.
Coding change: c.221_222delinsAAGCTCCT on transcript NM_198253.3 (MANE Select); coding-DNA positions 221 to 222, TG replaced by AAGCTCCT.
Protein change: p.Val74delinsGluAlaPro.
Molecular consequence: inframe indel. On other transcripts: non-coding transcript variant (2).
Genome position (GRCh38, 1-based): chr5:1,294,664-1,294,665, CA replaced by AGGAGCTT on the plus strand (TG replaced by AAGCTCCT on the coding strand, the reverse complement: TERT is on the minus strand). VCF-style: chr5-1294664-CA-AGGAGCTT. GRCh37 (hg19) VCF-style: chr5-1294779-CA-AGGAGCTT.
Other names: c.221_222delinsAAGCTCCT, p.Val74delinsGluAlaPro (NM_001193376.3).
Identifiers: ClinVar variation 5030630 (VCV005030630.1).